The following is an entry in ClinVar:

ClinVar aggregate classification (germline): Uncertain significance (1 of 4 stars; one submission).

Conditions:
Hereditary cancer-predisposing syndrome. Also called: Neoplastic Syndromes, Hereditary; Tumor predisposition; Hereditary Cancer Syndrome; Hereditary neoplastic syndrome. Identifiers: Orphanet 140162, MedGen C0027672, MeSH D009386, MONDO:0015356.

Submission:

Ambry Genetics
Classification: Uncertain significance for Hereditary cancer-predisposing syndrome. Last evaluated: 2026-01-14. Review status: criteria provided, single submitter. Criteria: Ambry Variant Classification Scheme 2023. Collection method: clinical testing. Allele origin: germline.
Comment: The p.I1378L variant (also known as c.4132A>C), located in coding exon 28 of the ALK gene, results from an A to C substitution at nucleotide position 4132. The isoleucine at codon 1378 is replaced by leucine, an amino acid with highly similar properties. This amino acid position is conserved. In addition, the in silico prediction for this alteration is inconclusive. Based on the available evidence, the clinical significance of this variant remains unclear.

NM_004304.5(ALK):c.4132A>C (p.Ile1378Leu)

Gene: ALK (ALK receptor tyrosine kinase; minus strand). Cytogenetic location: 2p23.2.
Variant type: single nucleotide variant.
Coding change: c.4132A>C on transcript NM_004304.5 (MANE Select); coding-DNA position 4132, A replaced by C.
Protein change: p.Ile1378Leu; replaces isoleucine 1378 with leucine.
Molecular consequence: missense variant.
Genome position (GRCh38, 1-based): chr2:29,196,802, T>G on the plus strand (A>C on the coding strand, the complement: ALK is on the minus strand). VCF-style: chr2-29196802-T-G. GRCh37 (hg19) VCF-style: chr2-29419668-T-G.
Other names: c.928A>C, p.Ile310Leu (NM_001353765.2); short protein forms I1378L, I310L.
Identifiers: ClinVar variation 4843266 (VCV004843266.1).